The following is an entry in ClinVar:

ClinVar aggregate classification (germline): Pathogenic (1 of 4 stars; one submission).

Submission:

GeneDx
Classification: Pathogenic. Last evaluated: 2016-06-30. Review status: criteria provided, single submitter. Criteria: GeneDx Variant Classification (06012015). Collection method: clinical testing. Allele origin: germline. Affected: yes.
Comment: c.651_652insA: p.Pro218ThrfsX9 (P218TfsX9) in exon 5 of the LAMP2 gene (NM_002294.2) The normal sequence with the bases that are duplicated in braces is: AAAA{A}CCAG.Although the c.651_652insA variant in the LAMP2 gene has not been reported to our knowledge, this mutation causes a shift in reading frame starting at codon Proline 218, changing it to a Threonine, and creating a premature stop codon at position 9 of the new reading frame, denoted p.Pro218ThrfsX9. This variant is expected to result in either an abnormal, truncated protein product or loss of protein from this allele through nonsense-mediated mRNA decay. Other frameshift variants in the LAMP2 gene have been reported in association with Danon Disease. In summary, c.651_652insA in the LAMP2 gene is interpreted as a pathogenic variant. The variant is found in HCM panel(s).

NM_002294.3(LAMP2):c.651dup (p.Pro218fs)

Gene: LAMP2 (lysosomal associated membrane protein 2; minus strand). Cytogenetic location: Xq24.
Variant type: Duplication.
Coding change: c.651dup on transcript NM_002294.3 (MANE Select); coding-DNA position 651, one base duplicated (A; older notation c.651dupA).
Protein change: p.Pro218fs; shifts the reading frame from proline 218.
Molecular consequence: frameshift variant.
Genome position (GRCh38, 1-based): chrX:120,447,931, T duplicated on the plus strand (A on the coding strand, the reverse complement: LAMP2 is on the minus strand); the first of 5 consecutive T bases (chrX:120,447,931-120,447,935); duplicating any one gives the same sequence. VCF-style (leftmost placement, unchanged base first): chrX-120447930-G-GT. GRCh37 (hg19) VCF-style: chrX-119581785-G-GT.
Other names: c.651dup, p.Pro218fs (NM_001122606.1, NM_013995.2); c.651dupA (NM_002294.2); short protein forms P218fs.
Identifiers: ClinVar variation 180888 (VCV000180888.2), dbSNP rs730880493, ClinGen allele CA333710.